The following is an entry in ClinVar:

ClinVar aggregate classification (germline): Likely benign (1 of 4 stars; one submission).

Conditions:
ALDOB-related disorder. Also called: ALDOB-related condition.

Submission:

PreventionGenetics, part of Exact Sciences
Classification: Likely benign for ALDOB-related condition. Last evaluated: 2025-10-03. Review status: criteria provided, single submitter. Criteria: ACMG Guidelines, 2015. Collection method: clinical testing. Allele origin: germline.
Comment: This variant is classified as likely benign based on ACMG/AMP sequence variant interpretation guidelines (Richards et al. 2015 PMID: 25741868, with internal and published modifications).

NM_000035.4(ALDOB):c.*526C>T

Gene: ALDOB (aldolase, fructose-bisphosphate B; minus strand). Cytogenetic location: 9q31.1.
Variant type: single nucleotide variant.
Coding change: c.*526C>T on transcript NM_000035.4 (MANE Select); 526 bases downstream of the stop codon, C replaced by T.
Molecular consequence: 3 prime UTR variant.
Genome position (GRCh38, 1-based): chr9:101,421,283, G>A on the plus strand (C>T on the coding strand, the complement: ALDOB is on the minus strand). VCF-style: chr9-101421283-G-A. GRCh37 (hg19) VCF-style: chr9-104183565-G-A.
Identifiers: ClinVar variation 4990250 (VCV004990250.1).
Genomic context (GRCh38, chr9:101,421,283, plus strand): 5'-TCAGTTTTTAAAATTTTGCGGCTTGATTCCAATGACTAGCAAGAGTTGAAGACCTTTACT[G>A]TTGAAACCCAGTCATGTCTAGTAGAGTCAAAAGTAATGAAATACACTGAGTCTTTGGACA-3'